The following is an entry in ClinVar:

ClinVar aggregate classification (germline): Uncertain significance (1 of 4 stars; one submission).

gnomAD v4.1: 3 of 1,613,732 alleles (0.00019%); highest among the groups gnomAD compares: Admixed American, 0.0033%; no homozygotes.

Submission:

Labcorp Genetics (formerly Invitae), Labcorp
Classification: Uncertain significance. Last evaluated: 2021-09-01. Review status: criteria provided, single submitter. Criteria: Invitae Variant Classification Sherloc (09022015). Collection method: clinical testing. Allele origin: germline.
Comment: This sequence change replaces glycine with alanine at codon 575 of the PLK4 protein (p.Gly575Ala). The glycine residue is weakly conserved and there is a small physicochemical difference between glycine and alanine. This variant is not present in population databases (ExAC no frequency). This variant has not been reported in the literature in individuals affected with PLK4-related conditions. Algorithms developed to predict the effect of missense changes on protein structure and function (SIFT, PolyPhen-2, Align-GVGD) all suggest that this variant is likely to be tolerated. In summary, the available evidence is currently insufficient to determine the role of this variant in disease. Therefore, it has been classified as a Variant of Uncertain Significance.

NM_014264.5(PLK4):c.1724G>C (p.Gly575Ala)

Gene: PLK4 (polo like kinase 4; plus strand). Cytogenetic location: 4q28.1.
Variant type: single nucleotide variant.
Coding change: c.1724G>C on transcript NM_014264.5 (MANE Select); coding-DNA position 1724, G replaced by C.
Protein change: p.Gly575Ala; replaces glycine 575 with alanine.
Molecular consequence: missense variant.
Genome position (GRCh38, 1-based): chr4:127,890,130, G>C. VCF-style: chr4-127890130-G-C. GRCh37 (hg19) VCF-style: chr4-128811285-G-C.
Other names: c.1628G>C, p.Gly543Ala (NM_001190799.2); c.1601G>C, p.Gly534Ala (NM_001190801.2); short protein forms G534A, G543A, G575A.
Identifiers: ClinVar variation 1054363 (VCV001054363.2), dbSNP rs774028113, ClinGen allele CA358157125.